The following is an entry in ClinVar:

NM_000168.6(GLI3):c.2431+1G>A

Gene: GLI3 (GLI family zinc finger 3; minus strand). Cytogenetic location: 7p14.1.
Variant type: single nucleotide variant.
Coding change: c.2431+1G>A on transcript NM_000168.6 (MANE Select); the canonical splice donor site of the intron after coding-DNA position 2431, G replaced by A.
Molecular consequence: splice donor variant.
Genome position (GRCh38, 1-based): chr7:41,967,595, C>T on the plus strand (G>A on the coding strand, the complement: GLI3 is on the minus strand). VCF-style: chr7-41967595-C-T. GRCh37 (hg19) VCF-style: chr7-42007193-C-T.
Identifiers: ClinVar variation 3026529 (VCV003026529.22), dbSNP rs116840758, ClinGen allele CA342930.

ClinVar aggregate classification (germline): Likely pathogenic (1 of 4 stars; one submission).

Allele frequency attached by ClinVar (database versions not stated): gnomAD exomes below 0.00001.
gnomAD v4.1: 1 of 1,607,830 alleles (0.000062%); no homozygotes.

Submission:

CeGaT Center for Human Genetics Tuebingen
Classification: Likely pathogenic. Last evaluated: 2024-01-01. Review status: criteria provided, single submitter. Criteria: CeGaT Center For Human Genetics Tuebingen Variant Classification Criteria Version 2. Collection method: clinical testing. Allele origin: germline. Affected: yes. Observed: 1 variant allele.
Comment: GLI3: PM2, PVS1:Moderate, PS3:Supporting, PS4:Supporting